The following is an entry in ClinVar:

ClinVar aggregate classification (germline): Uncertain significance (1 of 4 stars; one submission).

Conditions:
Tuberous sclerosis 2 (TSC2). Identifiers: Orphanet 805, MedGen C1860707, MONDO:0013199, OMIM 613254.

Allele frequency attached by ClinVar (database versions not stated): TOPMed below 0.00001.
gnomAD v4.1: 2 of 1,613,804 alleles (0.00012%); highest among the groups gnomAD compares: Non-Finnish European, 0.00017%; no homozygotes.

Submission:

Labcorp Genetics (formerly Invitae), Labcorp
Classification: Uncertain significance for Tuberous sclerosis 2. Last evaluated: 2022-12-02. Review status: criteria provided, single submitter. Criteria: Invitae Variant Classification Sherloc (09022015). Collection method: clinical testing. Allele origin: germline.
Comment: This sequence change falls in intron 6 of the TSC2 gene. It does not directly change the encoded amino acid sequence of the TSC2 protein. This variant is not present in population databases (gnomAD no frequency). This variant has not been reported in the literature in individuals affected with TSC2-related conditions. Algorithms developed to predict the effect of sequence changes on RNA splicing suggest that this variant may disrupt the consensus splice site. In summary, the available evidence is currently insufficient to determine the role of this variant in disease. Therefore, it has been classified as a Variant of Uncertain Significance.

NM_000548.5(TSC2):c.600-11G>T

Gene: TSC2 (TSC complex subunit 2; plus strand). Cytogenetic location: 16p13.3.
Variant type: single nucleotide variant.
Coding change: c.600-11G>T on transcript NM_000548.5 (MANE Select); 11 bases into the intron before coding-DNA position 600, G replaced by T.
Molecular consequence: intron variant.
Genome position (GRCh38, 1-based): chr16:2,056,185, G>T. VCF-style: chr16-2056185-G-T. GRCh37 (hg19) VCF-style: chr16-2106186-G-T.
Other names: c.-12G>T (NM_001406680.1, NM_001406683.1, NM_001406687.1); c.-843G>T (NM_001406693.1); c.600-11G>T (NM_001114382.3, NM_021055.3, NM_001370405.1 and 3 more transcripts); c.489-11G>T (NM_001318827.2); c.-1-11G>T (NM_001318831.2); c.453-11G>T (NM_001318829.2); c.633-11G>T (NM_001318832.2).
Identifiers: ClinVar variation 2068016 (VCV002068016.4), dbSNP rs1346678348, ClinGen allele CA394310456.
Genomic context (GRCh38, chr16:2,056,185, plus strand): 5'-CTAGACCACAGCCCGTGGTGGCTCGGCCATCCAGGCAGTGCTGCCGGGACTGAGCTCGGT[G>T]CTCCCTGCAGGATGATCTGTCTGCTGTGCGTCCGGACCGCGTCCTCTGTGGACATAGAGG-3'